The following is an entry in ClinVar:

ClinVar aggregate classification (germline): Likely benign. Review status: criteria provided, multiple submitters, no conflicts (2 of 4 stars). 3 submissions from 3 submitters: Likely benign (2). 1 of the submissions does not count toward it. Last evaluated 2026-02-03.

Conditions:
STRADA-related disorder. Also called: STRADA-related condition.
Polyhydramnios, megalencephaly, and symptomatic epilepsy (PMSE). Also called: PMSE SYNDROME. Identifiers: Orphanet 500533, MedGen C1970203, MONDO:0012611, OMIM 611087.

Allele frequency attached by ClinVar (database versions not stated): ExAC 0.00061; gnomAD exomes 0.00061 and 0.00079; 1000 Genomes Project 0.00140; 1000 Genomes Project 30x 0.00156; gnomAD 0.00163 and 0.00178; TOPMed 0.00169; ESP Exome Variant Server 0.00177.
gnomAD v4.1: 1,398 of 1,614,164 alleles (0.087%); highest among the groups gnomAD compares: African/African-American, 0.48%; 4 homozygotes.

Submissions (3):

Labcorp Genetics (formerly Invitae), Labcorp
Classification: Likely benign for Polyhydramnios, megalencephaly, and symptomatic epilepsy. Last evaluated: 2026-02-03. Review status: criteria provided, single submitter. Criteria: Invitae Variant Classification Sherloc (09022015). Collection method: clinical testing. Allele origin: germline.

CeGaT Center for Human Genetics Tuebingen
Classification: Likely benign. Last evaluated: 2024-04-01. Review status: criteria provided, single submitter. Criteria: CeGaT Center For Human Genetics Tuebingen Variant Classification Criteria Version 2. Collection method: clinical testing. Allele origin: germline. Affected: yes. Observed: 2 variant alleles.
Comment: STRADA: BS2

PreventionGenetics, part of Exact Sciences
Classification: Likely benign for STRADA-related condition. Last evaluated: 2022-12-22. Review status: no assertion criteria provided. Collection method: clinical testing. Allele origin: germline. Not counted in ClinVar's aggregate classification.
Comment: This variant is classified as likely benign based on ACMG/AMP sequence variant interpretation guidelines (Richards et al. 2015 PMID: 25741868, with internal and published modifications).

NM_001003787.4(STRADA):c.104C>T (p.Pro35Leu)

Gene: STRADA (STE20 related adaptor alpha; minus strand). Cytogenetic location: 17q23.3.
Variant type: single nucleotide variant.
Coding change: c.104C>T on transcript NM_001003787.4 (MANE Select); coding-DNA position 104, C replaced by T.
Protein change: p.Pro35Leu; replaces proline 35 with leucine.
Molecular consequence: missense variant. On other transcripts: non-coding transcript variant (1), intron variant (9).
Genome position (GRCh38, 1-based): chr17:63,723,317, G>A on the plus strand (C>T on the coding strand, the complement: STRADA is on the minus strand). VCF-style: chr17-63723317-G-A. GRCh37 (hg19) VCF-style: chr17-61800677-G-A.
Other names: c.80C>T, p.Pro27Leu (NM_001363786.1); c.104C>T, p.Pro35Leu (NM_001363788.1); c.12+5041C>T (NM_001363789.1, NM_001003786.3, NM_153335.6); c.-52+3321C>T (NM_001363790.1, NM_001363791.1, NM_001003788.3); c.36+5017C>T (NM_001165969.2, NM_001363787.1); c.94+3321C>T (NM_001165970.2); short protein forms P35L, P27L.
Identifiers: ClinVar variation 536764 (VCV000536764.35), dbSNP rs143559168, ClinGen allele CA8703512.
Genomic context (GRCh38, chr17:63,723,317, plus strand): 5'-CATGCAACAGCCATAGTGCTAGGGCCTAGGAAGCCACTTACTTTTCTCCGAGTGTCACCC[G>A]GAGGCTGCTCTGGGGTAGAGAAATTGATTGTTGGCATTTTGTGTTTTAGCAGAAGACACA-3'
Protein context (NP_001003787.1, residues 25-45): RDLELFGEQP[Pro35Leu]GDTRRKTNDA